The following is an entry in ClinVar:

ClinVar aggregate classification (germline): Uncertain significance (1 of 4 stars; one submission).

Submission:

Quest Diagnostics Nichols Institute San Juan Capistrano
Classification: Uncertain significance. Last evaluated: 2023-06-27. Review status: criteria provided, single submitter. Criteria: Quest Diagnostics criteria. Collection method: clinical testing. Allele origin: unknown.
Comment: The HBB c.212C>G (p.Ala71Gly, also known as Hb Hershey) variant has been reported to have decreased oxygen affinity and associated with hemolytic anemia. In the published literature, this variant was identified in an individual with hemolytic anemia and microcytosis. This individual was found to also carry the HBB IVS1-1G>A pathogenic variant (PMID: 16370483 (2005)). This variant has not been reported in large, multi-ethnic general populations (Genome Aggregation Database). Analysis of this variant using bioinformatics tools for the prediction of the effect of amino acid changes on protein structure and function yielded predictions that this variant is damaging. Based on the available information, we are unable to determine the clinical significance of this variant.

Literature cited by the submitters: PubMed 16370483; PubMed 19429541.

NM_000518.5(HBB):c.212C>G (p.Ala71Gly)

Genes: HBB (hemoglobin subunit beta; minus strand), LOC106099062 (HBB recombination region; plus strand), LOC107133510 (origin of replication at HBB; plus strand). Cytogenetic location: 11p15.4.
Variant type: single nucleotide variant.
Coding change: c.212C>G on transcript NM_000518.5 (MANE Select); coding-DNA position 212, C replaced by G.
Protein change: p.Ala71Gly; replaces alanine 71 with glycine.
Molecular consequence: missense variant.
Genome position (GRCh38, 1-based): chr11:5,226,680, G>C on the plus strand (C>G on the coding strand, the complement: HBB is on the minus strand). VCF-style: chr11-5226680-G-C. GRCh37 (hg19) VCF-style: chr11-5247910-G-C.
Other names: short protein forms A71G.
Identifiers: ClinVar variation 2681983 (VCV002681983.1), dbSNP rs33946401, ClinGen allele CA217114046.
Genomic context (GRCh38, chr11:5,226,680, plus strand): 5'-TCACTCAGTGTGGCAAAGGTGCCCTTGAGGTTGTCCAGGTGAGCCAGGCCATCACTAAAG[G>C]CACCGAGCACTTTCTTGCCATGAGCCTTCACCTTAGGGTTGCCCATAACAGCATCAGGAG-3'
Protein context (NP_000509.1, residues 61-81): VKAHGKKVLG[Ala71Gly]FSDGLAHLDN